The following is an entry in ClinVar:

NM_006231.4(POLE):c.2482T>A (p.Ser828Thr)

Gene: POLE (DNA polymerase epsilon, catalytic subunit; minus strand). Cytogenetic location: 12q24.33.
Variant type: single nucleotide variant.
Coding change: c.2482T>A on transcript NM_006231.4 (MANE Select); coding-DNA position 2482, T replaced by A.
Protein change: p.Ser828Thr; replaces serine 828 with threonine.
Molecular consequence: missense variant.
Genome position (GRCh38, 1-based): chr12:132,664,449, A>T on the plus strand (T>A on the coding strand, the complement: POLE is on the minus strand). VCF-style: chr12-132664449-A-T. GRCh37 (hg19) VCF-style: chr12-133241035-A-T.
Other names: short protein forms S828T.
Identifiers: ClinVar variation 855055 (VCV000855055.9), dbSNP rs2042747466, ClinGen allele CA387396625.

ClinVar aggregate classification (germline): Uncertain significance (1 of 4 stars; one submission).

Submission:

Labcorp Genetics (formerly Invitae), Labcorp
Classification: Uncertain significance. Last evaluated: 2019-03-06. Review status: criteria provided, single submitter. Criteria: Invitae Variant Classification Sherloc (09022015). Collection method: clinical testing. Allele origin: germline.
Comment: In summary, the available evidence is currently insufficient to determine the role of this variant in disease. Therefore, it has been classified as a Variant of Uncertain Significance. Algorithms developed to predict the effect of missense changes on protein structure and function (SIFT, PolyPhen-2, Align-GVGD) all suggest that this variant is likely to be disruptive, but these predictions have not been confirmed by published functional studies and their clinical significance is uncertain. This variant has not been reported in the literature in individuals with POLE-related conditions. This variant is not present in population databases (ExAC no frequency). This sequence change replaces serine with threonine at codon 828 of the POLE protein (p.Ser828Thr). The serine residue is highly conserved and there is a small physicochemical difference between serine and threonine.